The following is an entry in ClinVar:

ClinVar aggregate classification (germline): Benign/Likely benign. Review status: criteria provided, multiple submitters, no conflicts (2 of 4 stars). 3 submissions from 3 submitters: Benign (1); Likely benign (2). Last evaluated 2024-04-08.

Conditions:
Hereditary cancer-predisposing syndrome. Also called: Hereditary Cancer Syndrome; Hereditary neoplastic syndrome; Neoplastic Syndromes, Hereditary; Tumor predisposition. Identifiers: Orphanet 140162, MedGen C0027672, MeSH D009386, MONDO:0015356.
Familial adenomatous polyposis 1 (FAP1). Also called: FAMILIAL ADENOMATOUS POLYPOSIS 1, ATTENUATED; POLYPOSIS, ADENOMATOUS INTESTINAL. Identifiers: MedGen C2713442, MONDO:0021056, OMIM 175100. Disease mechanism: loss of function.

Submissions (3):

Myriad Genetics, Inc.
Classification: Benign for Familial adenomatous polyposis 1. Last evaluated: 2024-04-08. Review status: criteria provided, single submitter. Criteria: Myriad Autosomal Dominant, Autosomal Recessive and X-Linked Classification Criteria (2023). Collection method: clinical testing. Allele origin: unknown.
Comment: This variant is considered benign. This variant is a silent/synonymous amino acid change and it is not expected to impact splicing.

Labcorp Genetics (formerly Invitae), Labcorp
Classification: Likely benign for Familial adenomatous polyposis 1. Last evaluated: 2022-06-01. Review status: criteria provided, single submitter. Criteria: Invitae Variant Classification Sherloc (09022015). Collection method: clinical testing. Allele origin: germline.

Ambry Genetics
Classification: Likely benign for Hereditary cancer-predisposing syndrome. Last evaluated: 2018-12-20. Review status: criteria provided, single submitter. Criteria: Ambry Variant Classification Scheme 2023. Collection method: clinical testing. Allele origin: germline.

NM_000038.6(APC):c.6993T>C (p.Pro2331=)

Gene: APC (APC regulator of Wnt signaling pathway; plus strand). Cytogenetic location: 5q22.2.
Variant type: single nucleotide variant.
Coding change: c.6993T>C on transcript NM_000038.6 (MANE Select); coding-DNA position 6993, T replaced by C.
Protein change: p.Pro2331=; no amino-acid change (proline 2331 retained).
Molecular consequence: synonymous variant.
Genome position (GRCh38, 1-based): chr5:112,842,587, T>C. VCF-style: chr5-112842587-T-C. GRCh37 (hg19) VCF-style: chr5-112178284-T-C.
Other names: c.6993T>C, p.Pro2331= (NM_001127510.3, NM_001354895.2); c.6939T>C, p.Pro2313= (NM_001127511.3); c.7047T>C, p.Pro2349= (NM_001354896.2); c.7023T>C, p.Pro2341= (NM_001354897.2); c.6918T>C, p.Pro2306= (NM_001354898.2); c.6909T>C, p.Pro2303= (NM_001354899.2); c.6870T>C, p.Pro2290= (NM_001354900.2); c.6816T>C, p.Pro2272= (NM_001354901.2); and 5 more.
Identifiers: ClinVar variation 754532 (VCV000754532.14), dbSNP rs1580677177, ClinGen allele CA446210661.
Genomic context (GRCh38, chr5:112,842,587, plus strand): 5'-ACCTGCCCAGCAACCATTAAGTAGACCTATACAGTCTCCTGGCCGAAACTCAATTTCCCC[T>C]GGTAGAAATGGAATAAGTCCTCCTAACAAATTATCTCAACTTCCAAGGACATCATCCCCT-3'
Protein context (NP_000029.2, residues 2321-2341): IQSPGRNSIS[Pro2331=]GRNGISPPNK